The following is an entry in ClinVar:

ClinVar aggregate classification (germline): Uncertain significance (1 of 4 stars; one submission).

Conditions:
Inborn genetic diseases. Identifiers: MedGen C0950123, MeSH D030342.

Submission:

Ambry Genetics
Classification: Uncertain significance for Inborn genetic diseases. Last evaluated: 2025-12-17. Review status: criteria provided, single submitter. Criteria: Ambry Variant Classification Scheme 2023. Collection method: clinical testing. Allele origin: germline.
Comment: The p.K560N variant (also known as c.1680G>C), located in coding exon 10 of the RECQL4 gene, results from a G to C substitution at nucleotide position 1680. The lysine at codon 560 is replaced by asparagine, an amino acid with similar properties. This amino acid position is conserved. In addition, this alteration is predicted to be tolerated by in silico analysis. Based on the available evidence, the clinical significance of this variant remains unclear.

NM_004260.4(RECQL4):c.1680G>C (p.Lys560Asn)

Gene: RECQL4 (RecQ like helicase 4; minus strand). Cytogenetic location: 8q24.3.
Variant type: single nucleotide variant.
Coding change: c.1680G>C on transcript NM_004260.4 (MANE Select); coding-DNA position 1680, G replaced by C.
Protein change: p.Lys560Asn; replaces lysine 560 with asparagine.
Molecular consequence: missense variant. On other transcripts: non-coding transcript variant (3).
Genome position (GRCh38, 1-based): chr8:144,514,466, C>G on the plus strand (G>C on the coding strand, the complement: RECQL4 is on the minus strand). VCF-style: chr8-144514466-C-G. GRCh37 (hg19) VCF-style: chr8-145739850-C-G.
Other names: c.1584G>C, p.Lys528Asn (NM_001413017.1, NM_001413020.1); c.1680G>C, p.Lys560Asn (NM_001413018.1, NM_001413019.1, NM_001413033.1 and 1 more transcripts); c.609G>C, p.Lys203Asn (NM_001413021.1, NM_001413022.1, NM_001413023.1 and 7 more transcripts); c.1551G>C, p.Lys517Asn (NM_001413025.1); c.543G>C, p.Lys181Asn (NM_001413027.1, NM_001413030.1, NM_001413031.1 and 2 more transcripts); c.1329G>C, p.Lys443Asn (NM_001413029.1); c.1650G>C, p.Lys550Asn (NM_001413039.1); c.579G>C, p.Lys193Asn (NM_001413042.1); and 1 more; short protein forms K193N, K560N, K181N, K203N, K517N, K528N, K550N, K71N.
Identifiers: ClinVar variation 4841557 (VCV004841557.1).